The following is an entry in ClinVar:

NM_003868.3(FGF16):c.412C>T (p.Gln138Ter)

Gene: FGF16 (fibroblast growth factor 16; plus strand). Cytogenetic location: Xq21.1.
Variant type: single nucleotide variant.
Coding change: c.412C>T on transcript NM_003868.3 (MANE Select); coding-DNA position 412, C replaced by T.
Protein change: p.Gln138Ter; replaces glutamine 138 with a stop codon.
Molecular consequence: nonsense.
Genome position (GRCh38, 1-based): chrX:77,456,310, C>T. VCF-style: chrX-77456310-C-T. GRCh37 (hg19) VCF-style: chrX-76711801-C-T.
Other names: short protein forms Q138*.
Identifiers: ClinVar variation 2633250 (VCV002633250.1), dbSNP rs2519850121, ClinGen allele CA413703590.

ClinVar aggregate classification (germline): Likely pathogenic (1 of 4 stars; one submission).

Conditions:
FGF16-related disorder. Also called: FGF16-related condition.

Submission:

PreventionGenetics, part of Exact Sciences
Classification: Likely pathogenic for FGF16-related condition. Last evaluated: 2023-05-01. Review status: criteria provided, single submitter. Criteria: ACMG Guidelines, 2015. Collection method: clinical testing. Allele origin: germline.
Comment: The FGF16 c.412C>T variant is predicted to result in premature protein termination (p.Gln138*). To our knowledge, this variant has not been reported in the literature or in a large population database, indicating this variant is rare. Nonsense variants in FGF16 are expected to be pathogenic (Jamsheer et al. 2013. PubMed ID: 23709756). Therefore we interpret c.412C>T (p.Gln138*) as likely pathogenic.